The following is an entry in ClinVar:

ClinVar aggregate classification (germline): Uncertain significance. Review status: reviewed by expert panel (3 of 4 stars). 8 submissions from 8 submitters: Uncertain significance (1). 7 of the submissions do not count toward it. Last evaluated 2025-11-13.

Conditions:
Myopathy, myofibrillar, 12, infantile-onset, with cardiomyopathy. Identifiers: MedGen C5561937, MONDO:0859168, OMIM 619424.
Hypertrophic cardiomyopathy 10. Also called: CARDIOMYOPATHY, HYPERTROPHIC, MID-LEFT VENTRICULAR CHAMBER TYPE, 2; MYL2-Related Familial Hypertrophic Cardiomyopathy. Identifiers: MedGen C1834460, MONDO:0012112, OMIM 608758.
Cardiovascular phenotype. Identifiers: MedGen CN230736.
Cardiomyopathy, dilated, and heart failure.
Cardiomyopathy (CMYO). Also called: Cardiomyopathies. Identifiers: Orphanet 167848, MedGen C0878544, MONDO:0004994, HP:0001638. Inheritance: Various modes of inheritance.
Hypertrophic cardiomyopathy. Also called: HYPERTROPHIC MYOCARDIOPATHY. Identifiers: Orphanet 217569, MedGen C0007194, MeSH D002312, MONDO:0005045, HP:0001639.

Allele frequency attached by ClinVar (database versions not stated): TOPMed 0.00003; gnomAD 0.00001; ExAC 0.00002.
gnomAD v4.1: 39 of 1,613,640 alleles (0.0024%); highest among the groups gnomAD compares: Non-Finnish European, 0.0033%; no homozygotes.

Submissions (8):

ClinGen Cardiomyopathy Variant Curation Expert Panel
Classification: Uncertain significance for Hypertrophic cardiomyopathy. Last evaluated: 2025-11-13. Review status: reviewed by expert panel. Criteria: ClinGen CMP ACMG Specifications MYL2 V1.0.0. Collection method: curation. Allele origin: germline. Inheritance: Autosomal dominant inheritance.
Comment: NM_000432.4(MYL2):c.428C>T (p.Pro143Leu) - This variant has been reported in individual(s) with HCM (PMIDs: 22958901, 27532257), but is not statistically increased in individuals with HCM compared to controls [OR lower 95% CI <5]. Therefore, the PS4 criterion has not been applied. This variant is present in gnomAD (v2.1.1), but did not meet the threshold for PM2. Computational prediction tools suggest that this variant may impact the protein (REVEL score >0.7; PP3). In summary, this variant is classified as Uncertain Significance for HCM in an autosomal dominant manner based on PP3.

Ambry Genetics
Classification: Uncertain significance for Cardiovascular phenotype. Last evaluated: 2025-11-07. Review status: criteria provided, single submitter. Criteria: Ambry Variant Classification Scheme 2023. Collection method: clinical testing. Allele origin: germline. Not counted in ClinVar's aggregate classification.
Comment: The p.P143L variant (also known as c.428C>T), located in coding exon 7 of the MYL2 gene, results from a C to T substitution at nucleotide position 428. The proline at codon 143 is replaced by leucine, an amino acid with similar properties. This variant was reported in individual(s) with features consistent with cardiomypathy; however, clinical details were limited (Walsh R et al. Genet Med, 2017 02;19:192-203; Ware SM et al. Am J Hum Genet. 2022 Feb;109(2):282-298). This amino acid position is highly conserved in available vertebrate species. In addition, this alteration is predicted to be deleterious by in silico analysis. Based on the available evidence, the clinical significance of this variant remains unclear.

Color Diagnostics, LLC DBA Color Health
Classification: Uncertain significance for Cardiomyopathy. Last evaluated: 2025-07-01. Review status: criteria provided, single submitter. Criteria: ACMG Guidelines, 2015. Collection method: clinical testing. Allele origin: germline. Not counted in ClinVar's aggregate classification.
Comment: This missense variant replaces proline with leucine at codon 143 of the MYL2 protein. Computational prediction suggests that this variant may have a deleterious impact on protein structure and function. To our knowledge, functional studies have not been reported for this variant. This variant has been reported in two individuals affected with hypertrophic cardiomyopathy (PMID: 27532257, 37652022) and in an individual affected with dilated cardiomyopathy (PMID: 35026164). This variant has been identified in 7/280276 chromosomes in the general population by the Genome Aggregation Database (gnomAD). The available evidence is insufficient to determine the role of this variant in disease conclusively. Therefore, this variant is classified as a Variant of Uncertain Significance.

Clinical Genetics Laboratory, Skane University Hospital Lund
Classification: Uncertain significance. Last evaluated: 2025-06-26. Review status: criteria provided, single submitter. Criteria: ACMG Guidelines, 2015. Collection method: clinical testing. Allele origin: germline. Affected: yes. Not counted in ClinVar's aggregate classification.
Comment: ACMG criteria used: PP3

Labcorp Genetics (formerly Invitae), Labcorp
Classification: Uncertain significance for Hypertrophic cardiomyopathy 10. Last evaluated: 2024-12-18. Review status: criteria provided, single submitter. Criteria: Invitae Variant Classification Sherloc (09022015). Collection method: clinical testing. Allele origin: germline. Not counted in ClinVar's aggregate classification.
Comment: This sequence change replaces proline, which is neutral and non-polar, with leucine, which is neutral and non-polar, at codon 143 of the MYL2 protein (p.Pro143Leu). This variant is present in population databases (rs727504341, gnomAD 0.006%). This missense change has been observed in individual(s) with hypertrophic cardiomyopathy (PMID: 27532257, 37652022). ClinVar contains an entry for this variant (Variation ID: 177824). An algorithm developed to predict the effect of missense changes on protein structure and function (PolyPhen-2) suggests that this variant is likely to be disruptive. In summary, the available evidence is currently insufficient to determine the role of this variant in disease. Therefore, it has been classified as a Variant of Uncertain Significance.

All of Us Research Program, National Institutes of Health
Classification: Uncertain significance for Hypertrophic cardiomyopathy. Last evaluated: 2024-08-06. Review status: criteria provided, single submitter. Criteria: ACMG Guidelines, 2015. Collection method: clinical testing. Allele origin: germline. Inheritance: Autosomal dominant inheritance. Observed: 8 variant alleles, 8 heterozygotes. Not counted in ClinVar's aggregate classification.
Comment: This missense variant replaces proline with leucine at codon 143 of the MYL2 protein. Computational prediction suggests that this variant may have deleterious impact on protein structure and function (internally defined REVEL score threshold >= 0.7, PMID: 27666373). Splice site prediction tools suggest that this variant may not impact RNA splicing. To our knowledge, functional studies have not been performed for this variant. This variant has been reported in an individual affected with hypertrophic cardiomyopathy (PMID: 27532257). This variant has also been reported in an individual from a cohort of participants that were not pre-selected for a personal or family history of cardiovascular disorders (PMID: 22958901). This variant has been identified in 7/280276 chromosomes in the general population by the Genome Aggregation Database (gnomAD). The available evidence is insufficient to determine the role of this variant in disease conclusively. Therefore, this variant is classified as a Variant of Uncertain Significance.

This study involves interpretation of variants in research participants for the purpose of population health screening. Participant phenotype was not available at the time of variant classification. Additional details can be found in publication PMID: 35346344, PMCID: PMC8962531

Fulgent Genetics
Classification: Uncertain significance for Hypertrophic cardiomyopathy 10; Myopathy, myofibrillar, 12, infantile-onset, with cardiomyopathy. Last evaluated: 2021-11-22. Review status: criteria provided, single submitter. Criteria: ACMG Guidelines, 2015. Collection method: clinical testing. Allele origin: unknown. Not counted in ClinVar's aggregate classification.

Laboratory for Molecular Medicine, Mass General Brigham Personalized Medicine
Classification: Uncertain significance. Last evaluated: 2014-05-01. Review status: criteria provided, single submitter. Criteria: LMM Criteria. Collection method: clinical testing. Allele origin: germline. Observed: 2 variant alleles. Not counted in ClinVar's aggregate classification.
Comment: This variant was absent from large population studies. Proline (Pro) at position 143 is highly conserved in evolution and the change to leucine (Leu ) was predicted to be pathogenic using a computational tool clinically validated by our laboratory. This tool's pathogenic prediction is estimated to be correct 94% of the time (Jordan 2011). Additional information is needed to fully assess the clinical significance of the Pro143Leu variant.

Literature cited by the submitters: PubMed 27532257 (cited by 4 submitters); PubMed 35026164 (cited by Ambry Genetics and Color Diagnostics, LLC DBA Color Health); PubMed 37652022 (cited by Color Diagnostics, LLC DBA Color Health and Labcorp Genetics (formerly Invitae), Labcorp); PubMed 22958901 (cited by All of Us Research Program, National Institutes of Health).

NM_000432.4(MYL2):c.428C>T (p.Pro143Leu)

Gene: MYL2 (myosin light chain 2; minus strand). Cytogenetic location: 12q24.11.
Variant type: single nucleotide variant.
Coding change: c.428C>T on transcript NM_000432.4 (MANE Select); coding-DNA position 428, C replaced by T.
Protein change: p.Pro143Leu; replaces proline 143 with leucine.
Molecular consequence: missense variant.
Genome position (GRCh38, 1-based): chr12:110,911,150, G>A on the plus strand (C>T on the coding strand, the complement: MYL2 is on the minus strand). VCF-style: chr12-110911150-G-A. GRCh37 (hg19) VCF-style: chr12-111348954-G-A.
Other names: short protein forms P143L.
Identifiers: ClinVar variation 177824 (VCV000177824.21), dbSNP rs727504341, ClinGen allele CA010349.
Genomic context (GRCh38, chr12:110,911,150, plus strand): 5'-TCTCCGTGGGTGATGATGTGCACCAGGTTCTTGTAGTCCAAGTTGCCAGTCACGTCAGGG[G>A]GGAAGGCGGCGAACATCTGGTCAACCTGCAATGAGCCAGCAACACGTGCTAAGGACGAGG-3'
Protein context (NP_000423.2, residues 133-153): EEVDQMFAAF[Pro143Leu]PDVTGNLDYK